The following is an entry in ClinVar:

NM_003235.5(TG):c.6431C>T (p.Thr2144Ile)

Gene: TG (thyroglobulin; plus strand). Cytogenetic location: 8q24.22.
Variant type: single nucleotide variant.
Coding change: c.6431C>T on transcript NM_003235.5 (MANE Select); coding-DNA position 6431, C replaced by T.
Protein change: p.Thr2144Ile; replaces threonine 2144 with isoleucine.
Molecular consequence: missense variant.
Genome position (GRCh38, 1-based): chr8:133,013,633, C>T. VCF-style: chr8-133013633-C-T. GRCh37 (hg19) VCF-style: chr8-134025878-C-T.
Other names: short protein forms T2144I.
Identifiers: ClinVar variation 3895542 (VCV003895542.1).

ClinVar aggregate classification (germline): Uncertain significance (1 of 4 stars; one submission).

Submission:

Women's Health and Genetics/Laboratory Corporation of America, LabCorp
Classification: Uncertain significance. Last evaluated: 2025-03-18. Review status: criteria provided, single submitter. Criteria: LabCorp Variant Classification Summary - May 2015. Collection method: clinical testing. Allele origin: germline.
Comment: Variant summary: TG c.6431C>T (p.Thr2144Ile) results in a non-conservative amino acid change in the encoded protein sequence. Four of five in-silico tools predict a damaging effect of the variant on protein function. The variant was absent in 251440 control chromosomes. The available data on variant occurrences in the general population are insufficient to allow any conclusion about variant significance. To our knowledge, no occurrence of c.6431C>T in individuals affected with TG-Related Disorders and no experimental evidence demonstrating its impact on protein function have been reported. No submitters have cited clinical-significance assessments for this variant to ClinVar. Based on the evidence outlined above, the variant was classified as uncertain significance.